The following is an entry in ClinVar:

NM_000368.5(TSC1):c.2410A>C (p.Arg804=)

Gene: TSC1 (TSC complex subunit 1; minus strand). Cytogenetic location: 9q34.13.
Variant type: single nucleotide variant.
Coding change: c.2410A>C on transcript NM_000368.5 (MANE Select); coding-DNA position 2410, A replaced by C.
Protein change: p.Arg804=; no amino-acid change (arginine 804 retained).
Molecular consequence: synonymous variant. On other transcripts: non-coding transcript variant (5).
Genome position (GRCh38, 1-based): chr9:132,901,681, T>G on the plus strand (A>C on the coding strand, the complement: TSC1 is on the minus strand). VCF-style: chr9-132901681-T-G. GRCh37 (hg19) VCF-style: chr9-135777068-T-G.
Other names: c.2047A>C, p.Arg683= (NM_001406614.1, NM_001406615.1, NM_001406616.1 and 5 more transcripts); c.2044A>C, p.Arg682= (NM_001406620.1, NM_001406621.1, NM_001406622.1 and 2 more transcripts); c.1459A>C, p.Arg487= (NM_001406626.1); c.1456A>C, p.Arg486= (NM_001406627.1, NM_001406628.1); c.1357A>C, p.Arg453= (NM_001406629.1, NM_001406630.1); c.2407A>C, p.Arg803= (NM_001162426.2, NM_001406597.1, NM_001406598.1 and 4 more transcripts); c.2257A>C, p.Arg753= (NM_001162427.2, NM_001406610.1); c.2410A>C, p.Arg804= (NM_001406592.1, NM_001406593.1, NM_001406594.1 and 5 more transcripts); and 3 more.
Identifiers: ClinVar variation 3664216 (VCV003664216.3).

ClinVar aggregate classification (germline): Benign/Likely benign. Review status: criteria provided, multiple submitters, no conflicts (2 of 4 stars). 2 submissions from 2 submitters: Benign (1); Likely benign (1). Last evaluated 2025-04-25.

Conditions:
Tuberous sclerosis 1 (TSC1). Identifiers: Orphanet 805, MedGen C1854465, MONDO:0008612, OMIM 191100.

Submissions (2):

Myriad Genetics, Inc.
Classification: Benign for Tuberous sclerosis 1. Last evaluated: 2025-04-25. Review status: criteria provided, single submitter. Criteria: Myriad Autosomal Dominant, Autosomal Recessive and X-Linked Classification Criteria (2023). Collection method: clinical testing. Allele origin: unknown.
Comment: This variant is considered benign. This variant is a silent/synonymous amino acid change and it is not expected to impact splicing.

Labcorp Genetics (formerly Invitae), Labcorp
Classification: Likely benign for Tuberous sclerosis 1. Last evaluated: 2024-09-02. Review status: criteria provided, single submitter. Criteria: Invitae Variant Classification Sherloc (09022015). Collection method: clinical testing. Allele origin: germline.